The following is an entry in ClinVar:

ClinVar aggregate classification (germline): Pathogenic (1 of 4 stars; one submission).

Conditions:
Episodic ataxia type 2 (EA2). Also called: ATAXIA, EPISODIC, WITH NYSTAGMUS; ATAXIA, FAMILIAL PAROXYSMAL; CEREBELLAR ATAXIA, PAROXYSMAL, ACETAZOLAMIDE-RESPONSIVE; CEREBELLOPATHY, HEREDITARY PAROXYSMAL; ACETAZOLAMIDE-RESPONSIVE HEREDITARY PAROXYSMAL CEREBELLAR ATAXIA; EPISODIC ATAXIA, NYSTAGMUS-ASSOCIATED. Identifiers: Orphanet 97, MedGen C1720416, MONDO:0007163, OMIM 108500.
Developmental and epileptic encephalopathy, 42 (DEE42A). Also called: Epileptic encephalopathy, early infantile, 42; DEVELOPMENTAL AND EPILEPTIC ENCEPHALOPATHY 42A; EPILEPTIC ENCEPHALOPATHY, EARLY INFANTILE, 42A. Identifiers: MedGen C4310716, MONDO:0014917, OMIM 617106.

Submission:

Labcorp Genetics (formerly Invitae), Labcorp
Classification: Pathogenic for Developmental and epileptic encephalopathy, 42; Episodic ataxia type 2. Last evaluated: 2024-02-24. Review status: criteria provided, single submitter. Criteria: Invitae Variant Classification Sherloc (09022015). Collection method: clinical testing. Allele origin: germline.
Comment: This sequence change creates a premature translational stop signal (p.Glu2147Argfs*19) in the CACNA1A gene. It is expected to result in an absent or disrupted protein product. Loss-of-function variants in CACNA1A are known to be pathogenic (PMID: 10371528, 19486177, 25735478, 27250579). This variant is not present in population databases (gnomAD no frequency). This variant has not been reported in the literature in individuals affected with CACNA1A-related conditions. ClinVar contains an entry for this variant (Variation ID: 2021752). For these reasons, this variant has been classified as Pathogenic.

Literature cited by the submitters: PubMed 10371528; PubMed 19486177; PubMed 25735478; PubMed 27250579.

NM_001127222.2(CACNA1A):c.6435dup (p.Glu2146fs)

Gene: CACNA1A (calcium voltage-gated channel subunit alpha1 A; minus strand). Cytogenetic location: 19p13.13.
Variant type: Duplication.
Coding change: c.6435dup on transcript NM_001127222.2 (MANE Select); coding-DNA position 6435, one base duplicated (C; older notation c.6435dupC).
Protein change: p.Glu2146fs; shifts the reading frame from glutamic acid 2146.
Molecular consequence: frameshift variant.
Genome position (GRCh38, 1-based): chr19:13,209,403, G duplicated on the plus strand (C on the coding strand, the reverse complement: CACNA1A is on the minus strand); the first of 3 consecutive G bases (chr19:13,209,403-13,209,405); duplicating any one gives the same sequence. VCF-style (leftmost placement, unchanged base first): chr19-13209402-C-CG. GRCh37 (hg19) VCF-style: chr19-13320216-C-CG.
Other names: c.6453dup, p.Glu2152fs (NM_000068.4, NM_023035.3); c.6438dup, p.Glu2147fs (NM_001127221.2); c.6444dup, p.Glu2149fs (NM_001174080.2); short protein forms E2146fs, E2149fs, E2147fs, E2152fs.
Identifiers: ClinVar variation 2021752 (VCV002021752.4), dbSNP rs2512520498, ClinGen allele CA2580096561.